The following is an entry in ClinVar:

NM_018191.4(RCBTB1):c.670C>T (p.Pro224Ser)

Gene: RCBTB1 (RCC1 and BTB domain containing protein 1; minus strand). Cytogenetic location: 13q14.2.
Variant type: single nucleotide variant.
Coding change: c.670C>T on transcript NM_018191.4 (MANE Select); coding-DNA position 670, C replaced by T.
Protein change: p.Pro224Ser; replaces proline 224 with serine.
Molecular consequence: missense variant. On other transcripts: non-coding transcript variant (2).
Genome position (GRCh38, 1-based): chr13:49,552,219, G>A on the plus strand (C>T on the coding strand, the complement: RCBTB1 is on the minus strand). VCF-style: chr13-49552219-G-A. GRCh37 (hg19) VCF-style: chr13-50126355-G-A.
Other names: c.670C>T, p.Pro224Ser (NM_001352500.2, NM_001352501.2, NM_001352502.2 and 3 more transcripts); c.91C>T, p.Pro31Ser (NM_001352506.2); short protein forms P31S, P224S.
Identifiers: ClinVar variation 1956723 (VCV001956723.5), dbSNP rs970903031, ClinGen allele CA249365877.

ClinVar aggregate classification (germline): Uncertain significance (1 of 4 stars; one submission).

Allele frequency attached by ClinVar (database versions not stated): gnomAD exomes below 0.00001; gnomAD 0.00001; TOPMed 0.00001.

Submission:

Labcorp Genetics (formerly Invitae), Labcorp
Classification: Uncertain significance. Last evaluated: 2022-05-28. Review status: criteria provided, single submitter. Criteria: Invitae Variant Classification Sherloc (09022015). Collection method: clinical testing. Allele origin: germline.
Comment: In summary, the available evidence is currently insufficient to determine the role of this variant in disease. Therefore, it has been classified as a Variant of Uncertain Significance. Algorithms developed to predict the effect of missense changes on protein structure and function (SIFT, PolyPhen-2, Align-GVGD) all suggest that this variant is likely to be disruptive. This variant has not been reported in the literature in individuals affected with RCBTB1-related conditions. This variant is not present in population databases (gnomAD no frequency). This sequence change replaces proline, which is neutral and non-polar, with serine, which is neutral and polar, at codon 224 of the RCBTB1 protein (p.Pro224Ser).